The following is an entry in ClinVar:

NM_001232.4(CASQ2):c.923C>A (p.Pro308Gln)

Gene: CASQ2 (calsequestrin 2; minus strand). Cytogenetic location: 1p13.1.
Variant type: single nucleotide variant.
Coding change: c.923C>A on transcript NM_001232.4 (MANE Select); coding-DNA position 923, C replaced by A.
Protein change: p.Pro308Gln; replaces proline 308 with glutamine.
Molecular consequence: missense variant.
Genome position (GRCh38, 1-based): chr1:115,705,208, G>T on the plus strand (C>A on the coding strand, the complement: CASQ2 is on the minus strand). VCF-style: chr1-115705208-G-T. GRCh37 (hg19) VCF-style: chr1-116247829-G-T.
Other names: short protein forms P308Q.
Identifiers: ClinVar variation 162811 (VCV000162811.12), dbSNP rs139228801, ClinGen allele CA175358.

ClinVar aggregate classification (germline): Conflicting classifications of pathogenicity. Review status: criteria provided, conflicting classifications (1 of 4 stars). 3 submissions from 3 submitters: Likely pathogenic (1); Uncertain significance (2). Last evaluated 2026-01-26.

Conditions:
Cardiovascular phenotype. Identifiers: MedGen CN230736.
Catecholaminergic polymorphic ventricular tachycardia 1. Also called: RYR2-Related Catecholaminergic Polymorphic Ventricular Tachycardia; VENTRICULAR TACHYCARDIA, STRESS-INDUCED POLYMORPHIC 1; VENTRICULAR TACHYCARDIA, CATECHOLAMINERGIC POLYMORPHIC, 1, WITH OR WITHOUT ATRIAL DYSFUNCTION AND/OR DILATED CARDIOMYOPATHY. Identifiers: Orphanet 3286, MedGen C1631597, MONDO:0011484, OMIM 604772.

Allele frequency attached by ClinVar (database versions not stated): TOPMed 0.00001.
gnomAD v4.1: 6 of 1,612,274 alleles (0.00037%); highest among the groups gnomAD compares: Non-Finnish European, 0.00051%; no homozygotes.

Submissions (3):

Labcorp Genetics (formerly Invitae), Labcorp
Classification: Likely pathogenic for Catecholaminergic polymorphic ventricular tachycardia 1. Last evaluated: 2026-01-26. Review status: criteria provided, single submitter. Criteria: Invitae Variant Classification Sherloc (09022015). Collection method: clinical testing. Allele origin: germline.
Comment: This sequence change replaces proline, which is neutral and non-polar, with glutamine, which is neutral and polar, at codon 308 of the CASQ2 protein (p.Pro308Gln). This variant is present in population databases (rs139228801, gnomAD 0.007%). This missense change has been observed in individual(s) with autosomal recessive catecholaminergic polymorphic ventricular tachycardia (CPVT) (PMID: 32693635). ClinVar contains an entry for this variant (Variation ID: 162811). Invitae Evidence Modeling of protein sequence and biophysical properties (such as structural, functional, and spatial information, amino acid conservation, physicochemical variation, residue mobility, and thermodynamic stability) indicates that this missense variant is expected to disrupt CASQ2 protein function with a positive predictive value of 80%. This variant disrupts the p.Pro308 amino acid residue in CASQ2. Other variant(s) that disrupt this residue have been determined to be pathogenic (PMID: 18684293, 21265816, 22553997). This suggests that this residue is clinically significant, and that variants that disrupt this residue are likely to be disease-causing. In summary, the currently available evidence indicates that the variant is pathogenic, but additional data are needed to prove that conclusively. Therefore, this variant has been classified as Likely Pathogenic.

Ambry Genetics
Classification: Uncertain significance for Cardiovascular phenotype. Last evaluated: 2025-06-26. Review status: criteria provided, single submitter. Criteria: Ambry Variant Classification Scheme 2023. Collection method: clinical testing. Allele origin: germline.
Comment: The p.P308Q variant (also known as c.923C>A), located in coding exon 9 of the CASQ2 gene, results from a C to A substitution at nucleotide position 923. The proline at codon 308 is replaced by glutamine, an amino acid with similar properties. This variant has been identified in the homozygous state and/or in conjunction with other CASQ2 variant(s) in individual(s) with features consistent with catecholaminergic polymorphic ventricular tachycardia (CPVT) (Hsu GC et al. J Formos Med Assoc, 2024 Aug;[ePub ahead of print]). In addition, this variant was reported as heterozygous in individual(s) with features consistent with CPVT (Ng K et al. Circulation, 2020 Sep;142:932-947). This amino acid position is highly conserved in available vertebrate species. In addition, this alteration is predicted to be deleterious by in silico analysis. Based on the available evidence, the clinical significance of this variant remains unclear.

Laboratory for Molecular Medicine, Mass General Brigham Personalized Medicine
Classification: Uncertain significance. Last evaluated: 2014-01-28. Review status: criteria provided, single submitter. Criteria: LMM Criteria. Collection method: clinical testing. Allele origin: germline. Observed: 1 variant allele.
Comment: The Pro308Gln variant in CASQ2 has not been reported in individuals with cardiom yopathy or in large population studies. The affected amino acid is well conserve d in evolution, suggesting that a change would not be tolerated. Other computat ional analyses (biochemical amino acid properties, AlignGVGD, PolyPhen2, and SIF T) do not provide strong support for or against an impact to the protein. Additi onal information is needed to fully assess the clinical significance of the Pro3 08Gln variant.

Literature cited by the submitters: PubMed 32693635 (cited by Labcorp Genetics (formerly Invitae), Labcorp and Ambry Genetics); PubMed 18684293 (cited by Labcorp Genetics (formerly Invitae), Labcorp); PubMed 21265816 (cited by Labcorp Genetics (formerly Invitae), Labcorp); PubMed 22553997 (cited by Labcorp Genetics (formerly Invitae), Labcorp); PubMed 39095282 (cited by Ambry Genetics).